The following is an entry in ClinVar:

NM_001035.3(RYR2):c.5601G>T (p.Glu1867Asp)

Gene: RYR2 (ryanodine receptor 2; plus strand). Cytogenetic location: 1q43.
Variant type: single nucleotide variant.
Coding change: c.5601G>T on transcript NM_001035.3 (MANE Select); coding-DNA position 5601, G replaced by T.
Protein change: p.Glu1867Asp; replaces glutamic acid 1867 with aspartic acid.
Molecular consequence: missense variant.
Genome position (GRCh38, 1-based): chr1:237,614,729, G>T. VCF-style: chr1-237614729-G-T. GRCh37 (hg19) VCF-style: chr1-237778029-G-T.
Other names: short protein forms E1867D.
Identifiers: ClinVar variation 2123023 (VCV002123023.4), dbSNP rs2546797498, ClinGen allele CA345405406.

ClinVar aggregate classification (germline): Uncertain significance (1 of 4 stars; one submission).

Conditions:
Catecholaminergic polymorphic ventricular tachycardia 1. Also called: VENTRICULAR TACHYCARDIA, CATECHOLAMINERGIC POLYMORPHIC, 1, WITH OR WITHOUT ATRIAL DYSFUNCTION AND/OR DILATED CARDIOMYOPATHY; VENTRICULAR TACHYCARDIA, STRESS-INDUCED POLYMORPHIC 1; RYR2-Related Catecholaminergic Polymorphic Ventricular Tachycardia. Identifiers: Orphanet 3286, MedGen C1631597, MONDO:0011484, OMIM 604772.

Submission:

Labcorp Genetics (formerly Invitae), Labcorp
Classification: Uncertain significance for Catecholaminergic polymorphic ventricular tachycardia 1. Last evaluated: 2022-04-08. Review status: criteria provided, single submitter. Criteria: Invitae Variant Classification Sherloc (09022015). Collection method: clinical testing. Allele origin: germline.
Comment: This sequence change replaces glutamic acid, which is acidic and polar, with aspartic acid, which is acidic and polar, at codon 1867 of the RYR2 protein (p.Glu1867Asp). In summary, the available evidence is currently insufficient to determine the role of this variant in disease. Therefore, it has been classified as a Variant of Uncertain Significance. Advanced modeling of protein sequence and biophysical properties (such as structural, functional, and spatial information, amino acid conservation, physicochemical variation, residue mobility, and thermodynamic stability) performed at Invitae indicates that this missense variant is not expected to disrupt RYR2 protein function. This variant has not been reported in the literature in individuals affected with RYR2-related conditions. This variant is not present in population databases (gnomAD no frequency).